The following is an entry in ClinVar:

ClinVar aggregate classification (germline): Uncertain significance. Review status: criteria provided, multiple submitters, no conflicts (2 of 4 stars). 3 submissions from 3 submitters: Uncertain significance (3). Last evaluated 2025-03-19.

Conditions:
Fanconi anemia complementation group J. Also called: BRIP1-Related Fanconi Anemia. Identifiers: Orphanet 84, MedGen C1836860, MONDO:0012187, OMIM 609054.
Familial cancer of breast. Also called: BREAST CANCER, FAMILIAL; hereditary breast carcinoma; Hereditary breast cancer. Identifiers: Orphanet 227535, MedGen C0346153, MONDO:0016419, OMIM 114480. Disease mechanism: loss of function.
Hereditary cancer-predisposing syndrome. Also called: Neoplastic Syndromes, Hereditary; Hereditary neoplastic syndrome; Tumor predisposition; Hereditary Cancer Syndrome. Identifiers: Orphanet 140162, MedGen C0027672, MeSH D009386, MONDO:0015356.

Allele frequency attached by ClinVar (database versions not stated): gnomAD exomes below 0.00001.

Submissions (3):

Ambry Genetics
Classification: Uncertain significance for Hereditary cancer-predisposing syndrome. Last evaluated: 2025-03-19. Review status: criteria provided, single submitter. Criteria: Ambry Variant Classification Scheme 2023. Collection method: clinical testing. Allele origin: germline.
Comment: The p.M4I variant (also known as c.12G>A), located in coding exon 1 of the BRIP1 gene, results from a G to A substitution at nucleotide position 12. The methionine at codon 4 is replaced by isoleucine, an amino acid with highly similar properties. This amino acid position is poorly conserved in available vertebrate species. In addition, this alteration is predicted to be tolerated by in silico analysis. Since supporting evidence is limited at this time, the clinical significance of this alteration remains unclear.

Sema4
Classification: Uncertain significance for Hereditary cancer-predisposing syndrome. Last evaluated: 2022-01-21. Review status: criteria provided, single submitter. Criteria: Sema4 Curation Guidelines. Collection method: curation. Allele origin: germline.
Comment: To the best of our knowledge, the BRIP1 c.12G>A (p.M4I) variant has not been reported in individuals with BRIP1-related disease. It was observed in 1/113606 chromosomes of the European (non-Finnish) subpopulation, with no homozygotes, in the large and broad cohorts of the Genome Aggregation Database (PMID: 32461654). The variant has been reported in ClinVar (Variation ID: 530294). Functional studies have not been performed, and in silico predictions of the variant's effect on protein function are inconclusive. The evidence is insufficient to meet ACMG/AMP criteria for classifying the variant as benign or pathogenic. Thus, the clinical significance of this variant is currently uncertain.

Labcorp Genetics (formerly Invitae), Labcorp
Classification: Uncertain significance for Familial cancer of breast; Fanconi anemia complementation group J. Last evaluated: 2020-12-03. Review status: criteria provided, single submitter. Criteria: Invitae Variant Classification Sherloc (09022015). Collection method: clinical testing. Allele origin: germline.
Comment: In summary, the available evidence is currently insufficient to determine the role of this variant in disease. Therefore, it has been classified as a Variant of Uncertain Significance. Algorithms developed to predict the effect of missense changes on protein structure and function output the following: SIFT: "Tolerated"; PolyPhen-2: "Benign"; Align-GVGD: "Class C0". The isoleucine amino acid residue is found in multiple mammalian species, suggesting that this missense change does not adversely affect protein function. These predictions have not been confirmed by published functional studies and their clinical significance is uncertain. This variant has not been reported in the literature in individuals with BRIP1-related conditions. ClinVar contains an entry for this variant (Variation ID: 530294). This variant is not present in population databases (ExAC no frequency). This sequence change replaces methionine with isoleucine at codon 4 of the BRIP1 protein (p.Met4Ile). The methionine residue is weakly conserved and there is a small physicochemical difference between methionine and isoleucine.

NM_032043.3(BRIP1):c.12G>A (p.Met4Ile)

Gene: BRIP1 (BRCA1 interacting DNA helicase 1; minus strand). Cytogenetic location: 17q23.2.
Variant type: single nucleotide variant.
Coding change: c.12G>A on transcript NM_032043.3 (MANE Select); coding-DNA position 12, G replaced by A.
Protein change: p.Met4Ile; replaces methionine 4 with isoleucine.
Molecular consequence: missense variant.
Genome position (GRCh38, 1-based): chr17:61,861,528, C>T on the plus strand (G>A on the coding strand, the complement: BRIP1 is on the minus strand). VCF-style: chr17-61861528-C-T. GRCh37 (hg19) VCF-style: chr17-59938889-C-T.
Other names: short protein forms M4I.
Identifiers: ClinVar variation 530294 (VCV000530294.14), dbSNP rs1386396228, ClinGen allele CA400486080.